The following is an entry in ClinVar:

ClinVar aggregate classification (germline): Uncertain significance (1 of 4 stars; one submission).

Conditions:
Hereditary cancer-predisposing syndrome. Also called: Tumor predisposition; Hereditary Cancer Syndrome; Hereditary neoplastic syndrome; Neoplastic Syndromes, Hereditary. Identifiers: Orphanet 140162, MedGen C0027672, MeSH D009386, MONDO:0015356.

Submission:

Ambry Genetics
Classification: Uncertain significance for Hereditary cancer-predisposing syndrome. Last evaluated: 2024-05-02. Review status: criteria provided, single submitter. Criteria: Ambry Variant Classification Scheme 2023. Collection method: clinical testing. Allele origin: germline.
Comment: The p.L333R variant (also known as c.998T>G), located in coding exon 6 of the MSH3 gene, results from a T to G substitution at nucleotide position 998. The leucine at codon 333 is replaced by arginine, an amino acid with dissimilar properties. This amino acid position is conserved. In addition, this alteration is predicted to be deleterious by in silico analysis. Based on the available evidence, the clinical significance of this variant remains unclear.

NM_002439.5(MSH3):c.998T>G (p.Leu333Arg)

Genes: MSH3 (mutS homolog 3; plus strand), LOC126807437 (MED14-independent group 3 enhancer GRCh37_chr5:79968379-79969578; plus strand). Cytogenetic location: 5q14.1.
Variant type: single nucleotide variant.
Coding change: c.998T>G on transcript NM_002439.5 (MANE Select); coding-DNA position 998, T replaced by G.
Protein change: p.Leu333Arg; replaces leucine 333 with arginine.
Molecular consequence: missense variant.
Genome position (GRCh38, 1-based): chr5:80,672,829, T>G. VCF-style: chr5-80672829-T-G. GRCh37 (hg19) VCF-style: chr5-79968648-T-G.
Other names: short protein forms L333R.
Identifiers: ClinVar variation 3296285 (VCV003296285.1).
Genomic context (GRCh38, chr5:80,672,829, plus strand): 5'-CAGCATTAAAGGCCATTGGAGACAACAGAAGTTCACTCTTTTCCCGGAAATTGACTGCCC[T>G]TTATACAAAATCTACACTTATTGGAGAAGATATCCTTTTTGGACGGGAGTTTTTCTCTTA-3'
Protein context (NP_002430.3, residues 323-343): SSLFSRKLTA[Leu333Arg]YTKSTLIGED